The following is an entry in ClinVar:

NM_015629.4(PRPF31):c.1084del (p.Lys361_Met362insTer)

Gene: PRPF31 (pre-mRNA processing factor 31; plus strand). Cytogenetic location: 19q13.42.
Variant type: Deletion.
Coding change: c.1084del on transcript NM_015629.4 (MANE Select); coding-DNA position 1084, one base deleted (A; older notation c.1084delA).
Protein change: p.Lys361_Met362insTer.
Molecular consequence: nonsense.
Genome position (GRCh38, 1-based): chr19:54,128,315, A deleted. VCF-style (leftmost placement, unchanged base first): chr19-54128314-GA-G. GRCh37 (hg19) VCF-style: chr19-54631689-GA-G.
Identifiers: ClinVar variation 867171 (VCV000867171.8), dbSNP rs2073970078, ClinGen allele CA916083725.

ClinVar aggregate classification (germline): Pathogenic. Review status: criteria provided, multiple submitters, no conflicts (2 of 4 stars). 2 submissions from 2 submitters: Pathogenic (2). Last evaluated 2026-01-25.

Conditions:
PRPF31-related disorder. Also called: PRPF31-related condition.

Submissions (2):

Labcorp Genetics (formerly Invitae), Labcorp
Classification: Pathogenic. Last evaluated: 2026-01-25. Review status: criteria provided, single submitter. Criteria: Invitae Variant Classification Sherloc (09022015). Collection method: clinical testing. Allele origin: germline.
Comment: This sequence change creates a premature translational stop signal (p.Met362*) in the PRPF31 gene. It is expected to result in an absent or disrupted protein product. Loss-of-function variants in PRPF31 are known to be pathogenic (PMID: 18317597, 23950152). This variant is not present in population databases (gnomAD no frequency). This premature translational stop signal has been observed in individual(s) with autosomal dominant retinitis pigmentosa (PMID: 23950152). ClinVar contains an entry for this variant (Variation ID: 867171). For these reasons, this variant has been classified as Pathogenic.

Blueprint Genetics
Classification: Pathogenic for PRPF31-related disorders. Last evaluated: 2021-04-19. Review status: criteria provided, single submitter. Criteria: ACMG Guidelines, 2015. Collection method: clinical testing. Allele origin: germline. Affected: yes. Observed: 4 variant alleles.

Literature cited by the submitters: PubMed 18317597 (cited by Labcorp Genetics (formerly Invitae), Labcorp); PubMed 23950152 (cited by Labcorp Genetics (formerly Invitae), Labcorp).